The following is an entry in ClinVar:

NM_024675.4(PALB2):c.48+9G>T

Gene: PALB2 (partner and localizer of BRCA2; minus strand). Cytogenetic location: 16p12.2.
Variant type: single nucleotide variant.
Coding change: c.48+9G>T on transcript NM_024675.4 (MANE Select); 9 bases into the intron after coding-DNA position 48, G replaced by T.
Molecular consequence: intron variant.
Genome position (GRCh38, 1-based): chr16:23,641,101, C>A on the plus strand (G>T on the coding strand, the complement: PALB2 is on the minus strand). VCF-style: chr16-23641101-C-A. GRCh37 (hg19) VCF-style: chr16-23652422-C-A.
Other names: c.-1687G>T (NM_001407304.1, NM_001407310.1).
Identifiers: ClinVar variation 2018575 (VCV002018575.4), dbSNP rs1782502330, ClinGen allele CA2580091241.

ClinVar aggregate classification (germline): Uncertain significance (1 of 4 stars; one submission).

Conditions:
Familial cancer of breast. Also called: Hereditary breast cancer; BREAST CANCER, FAMILIAL; hereditary breast carcinoma. Identifiers: Orphanet 227535, MedGen C0346153, MONDO:0016419, OMIM 114480. Disease mechanism: loss of function.

Submission:

Labcorp Genetics (formerly Invitae), Labcorp
Classification: Uncertain significance for Familial cancer of breast. Last evaluated: 2022-07-21. Review status: criteria provided, single submitter. Criteria: Invitae Variant Classification Sherloc (09022015). Collection method: clinical testing. Allele origin: germline.
Comment: In summary, the available evidence is currently insufficient to determine the role of this variant in disease. Therefore, it has been classified as a Variant of Uncertain Significance. Algorithms developed to predict the effect of sequence changes on RNA splicing suggest that this variant may create or strengthen a splice site. This variant has not been reported in the literature in individuals affected with PALB2-related conditions. This variant is not present in population databases (gnomAD no frequency). This sequence change falls in intron 1 of the PALB2 gene. It does not directly change the encoded amino acid sequence of the PALB2 protein.